The following is an entry in ClinVar:

NM_014339.7(IL17RA):c.*2111C>T

Gene: IL17RA (interleukin 17 receptor A; plus strand). Cytogenetic location: 22q11.1.
Variant type: single nucleotide variant.
Coding change: c.*2111C>T on transcript NM_014339.7 (MANE Select); 2111 bases downstream of the stop codon, C replaced by T.
Molecular consequence: 3 prime UTR variant.
Genome position (GRCh38, 1-based): chr22:17,111,931, C>T. VCF-style: chr22-17111931-C-T. GRCh37 (hg19) VCF-style: chr22-17592821-C-T.
Other names: c.*2111C>T (NM_001289905.2).
Identifiers: ClinVar variation 898321 (VCV000898321.4), dbSNP rs114684847, ClinGen allele CA321155853.

ClinVar aggregate classification (germline): Benign (1 of 4 stars; one submission).

Conditions:
Immunodeficiency 51 (IMD51). Also called: CANDIDIASIS, FAMILIAL, 5. Identifiers: Orphanet 1334, MedGen C4310803, MONDO:0013500, OMIM 613953.

Allele frequency attached by ClinVar (database versions not stated): gnomAD 0.00477 and 0.00510; TOPMed 0.00556; 1000 Genomes Project 0.00619; 1000 Genomes Project 30x 0.00718.

Submission:

Illumina Laboratory Services, Illumina
Classification: Benign for Immunodeficiency 51. Last evaluated: 2018-01-12. Review status: criteria provided, single submitter. Criteria: ICSL Variant Classification Criteria 13 December 2019. Collection method: clinical testing. Allele origin: germline.
Comment: This variant was observed in the ICSL laboratory as part of a predisposition screen in an ostensibly healthy population. It had not been previously curated by ICSL or reported in the Human Gene Mutation Database (HGMD: prior to June 1st, 2018), and was therefore a candidate for classification through an automated scoring system. Utilizing variant allele frequency, disease prevalence and penetrance estimates, and inheritance mode, an automated score was calculated to assess if this variant is too frequent to cause the disease. Based on the score and internal cut-off values, a variant classified as benign is not then subjected to further curation. The score for this variant resulted in a classification of benign for this disease.